The following is an entry in ClinVar:

ClinVar aggregate classification (germline): Uncertain significance. Review status: criteria provided, multiple submitters, no conflicts (2 of 4 stars). 2 submissions from 2 submitters: Uncertain significance (2). Last evaluated 2024-10-29.

Conditions:
Mitochondrial DNA depletion syndrome, encephalomyopathic form with methylmalonic aciduria (MTDPS5). Also called: MITOCHONDRIAL DNA DEPLETION SYNDROME, ENCEPHALOMYOPATHIC FORM, WITH OR WITHOUT METHYLMALONIC ACIDURIA, AUTOSOMAL RECESSIVE, SUCLA2-RELATED; SUCLA2-Related Mitochondrial DNA Depletion Syndrome, Encephalomyopathic Form with Methylmalonic Aciduria; Mitochondrial encephalomyopathy aminoacidopathy; Mitochondrial DNA depletion syndrome 5 (encephalomyopathic with or without methylmalonic aciduria). Identifiers: Orphanet 1933, MedGen C5980207, MONDO:0012791, OMIM 612073.

Submissions (2):

Labcorp Genetics (formerly Invitae), Labcorp
Classification: Uncertain significance for Mitochondrial DNA depletion syndrome, encephalomyopathic form with methylmalonic aciduria. Last evaluated: 2024-10-29. Review status: criteria provided, single submitter. Criteria: Invitae Variant Classification Sherloc (09022015). Collection method: clinical testing. Allele origin: germline.
Comment: This sequence change replaces alanine, which is neutral and non-polar, with valine, which is neutral and non-polar, at codon 12 of the SUCLA2 protein (p.Ala12Val). This variant is not present in population databases (gnomAD no frequency). This variant has not been reported in the literature in individuals affected with SUCLA2-related conditions. ClinVar contains an entry for this variant (Variation ID: 1045632). An algorithm developed to predict the effect of missense changes on protein structure and function outputs the following: PolyPhen-2: "Benign". The valine amino acid residue is found in multiple mammalian species, which suggests that this missense change does not adversely affect protein function. In summary, the available evidence is currently insufficient to determine the role of this variant in disease. Therefore, it has been classified as a Variant of Uncertain Significance.

GeneDx
Classification: Uncertain significance. Last evaluated: 2024-06-14. Review status: criteria provided, single submitter. Criteria: GeneDx Variant Classification Process June 2021. Collection method: clinical testing. Allele origin: germline. Affected: yes.
Comment: Not observed at significant frequency in large population cohorts (gnomAD); In silico analysis indicates that this missense variant does not alter protein structure/function; Has not been previously published as pathogenic or benign to our knowledge

NM_003850.3(SUCLA2):c.35C>T (p.Ala12Val)

Genes: SUCLA2 (succinate-CoA ligase ADP-forming subunit beta; minus strand), LOC130009747 (ATAC-STARR-seq lymphoblastoid active region 7719; plus strand). Cytogenetic location: 13q14.2.
Variant type: single nucleotide variant.
Coding change: c.35C>T on transcript NM_003850.3 (MANE Select); coding-DNA position 35, C replaced by T.
Protein change: p.Ala12Val; replaces alanine 12 with valine.
Molecular consequence: missense variant.
Genome position (GRCh38, 1-based): chr13:48,001,235, G>A on the plus strand (C>T on the coding strand, the complement: SUCLA2 is on the minus strand). VCF-style: chr13-48001235-G-A. GRCh37 (hg19) VCF-style: chr13-48575371-G-A.
Other names: c.35C>T (NM_003850.2); short protein forms A12V.
Identifiers: ClinVar variation 1045632 (VCV001045632.10), dbSNP rs1247189411, ClinGen allele CA388155415.